The following is an entry in ClinVar:

ClinVar aggregate classification (germline): Pathogenic (1 of 4 stars; one submission).

Conditions:
Neurofibromatosis, type 1 (NF1). Also called: VON RECKLINGHAUSEN DISEASE; Neurofibromatosis, type I; Peripheral type neurofibromatosis; NEUROFIBROMATOSIS, TYPE I, SOMATIC. Identifiers: Orphanet 636, MedGen C0027831, MONDO:0018975, OMIM 162200. Disease mechanism: loss of function.

Submission:

Labcorp Genetics (formerly Invitae), Labcorp
Classification: Pathogenic for Neurofibromatosis, type 1. Last evaluated: 2023-12-29. Review status: criteria provided, single submitter. Criteria: Invitae Variant Classification Sherloc (09022015). Collection method: clinical testing. Allele origin: unknown.
Comment: This variant is a gross deletion of the genomic region encompassing exon(s) 40-47 of the NF1 gene. This deletion is out-of-frame, and is expected to create a premature termination codon and result in an absent or disrupted protein product. Loss-of-function variants in NF1 are known to be pathogenic (PMID: 10712197, 23913538). A similar copy number variant has been observed in individual(s) with NF1-related conditions (PMID: 26189818). For these reasons, this variant has been classified as Pathogenic.

Literature cited by the submitters: PubMed 10712197; PubMed 23913538; PubMed 26189818.

NC_000017.10:g.(?_29663331)_(29670173_?)del

Gene: NF1 (neurofibromin 1; plus strand). Cytogenetic location: 17q11.2.
Variant type: Deletion.
Identifiers: ClinVar variation 3242875 (VCV003242875.1).